The following is an entry in ClinVar:

NM_000350.3(ABCA4):c.1456C>T (p.Pro486Ser)

Gene: ABCA4 (ATP binding cassette subfamily A member 4; minus strand). Cytogenetic location: 1p22.1.
Variant type: single nucleotide variant.
Coding change: c.1456C>T on transcript NM_000350.3 (MANE Select); coding-DNA position 1456, C replaced by T.
Protein change: p.Pro486Ser; replaces proline 486 with serine.
Molecular consequence: missense variant.
Genome position (GRCh38, 1-based): chr1:94,077,788, G>A on the plus strand (C>T on the coding strand, the complement: ABCA4 is on the minus strand). VCF-style: chr1-94077788-G-A. GRCh37 (hg19) VCF-style: chr1-94543344-G-A.
Other names: c.1456C>T, p.Pro486Ser (NM_001425324.1); short protein forms P486S.
Identifiers: ClinVar variation 1428863 (VCV001428863.5), dbSNP rs1661577313, ClinGen allele CA341281996.

ClinVar aggregate classification (germline): Uncertain significance (1 of 4 stars; one submission).

Submission:

Labcorp Genetics (formerly Invitae), Labcorp
Classification: Uncertain significance. Last evaluated: 2021-12-09. Review status: criteria provided, single submitter. Criteria: Invitae Variant Classification Sherloc (09022015). Collection method: clinical testing. Allele origin: germline.
Comment: This sequence change replaces proline, which is neutral and non-polar, with serine, which is neutral and polar, at codon 486 of the ABCA4 protein (p.Pro486Ser). In summary, the available evidence is currently insufficient to determine the role of this variant in disease. Therefore, it has been classified as a Variant of Uncertain Significance. Advanced modeling of protein sequence and biophysical properties (such as structural, functional, and spatial information, amino acid conservation, physicochemical variation, residue mobility, and thermodynamic stability) performed at Invitae indicates that this missense variant is not expected to disrupt ABCA4 protein function. This variant has not been reported in the literature in individuals affected with ABCA4-related conditions. This variant is not present in population databases (gnomAD no frequency).